The following is an entry in ClinVar:

ClinVar aggregate classification (germline): Conflicting classifications of pathogenicity. Review status: criteria provided, conflicting classifications (1 of 4 stars). 6 submissions from 6 submitters: Uncertain significance (4); Likely benign (2). Last evaluated 2025-06-26.

Conditions:
Hereditary cancer-predisposing syndrome. Also called: Neoplastic Syndromes, Hereditary; Hereditary Cancer Syndrome; Tumor predisposition; Hereditary neoplastic syndrome. Identifiers: Orphanet 140162, MedGen C0027672, MeSH D009386, MONDO:0015356.
Fanconi anemia complementation group O. Also called: RAD51C-Related Fanconi Anemia. Identifiers: Orphanet 84, MedGen C3150653, MONDO:0013248, OMIM 613390.

Allele frequency attached by ClinVar (database versions not stated): gnomAD 0.00001; gnomAD exomes 0.00001; TOPMed 0.00001; ExAC 0.00001.
gnomAD v4.1: 10 of 1,611,692 alleles (0.00062%); highest among the groups gnomAD compares: East Asian, 0.0022%; no homozygotes.

Submissions (6):

Quest Diagnostics Nichols Institute San Juan Capistrano
Classification: Uncertain significance. Last evaluated: 2025-06-26. Review status: criteria provided, single submitter. Criteria: Quest Diagnostics criteria. Collection method: clinical testing. Allele origin: unknown.
Comment: The RAD51C c.578G>A (p.Arg193Gln) variant has been reported in the published literature in breast cancer cases and reportedly unaffected individuals (PMID: 33471991 (2021), see also LOVD). The frequency of this variant in the general population (Genome Aggregation Database) is uninformative in the assessment of its pathogenicity. Analysis of this variant using bioinformatics tools for the prediction of the effect of amino acid changes on protein structure and function yielded predictions that this variant is benign. Based on the available information, we are unable to determine the clinical significance of this variant.

Labcorp Genetics (formerly Invitae), Labcorp
Classification: Uncertain significance for Fanconi anemia complementation group O. Last evaluated: 2024-11-21. Review status: criteria provided, single submitter. Criteria: Invitae Variant Classification Sherloc (09022015). Collection method: clinical testing. Allele origin: germline.
Comment: This sequence change replaces arginine, which is basic and polar, with glutamine, which is neutral and polar, at codon 193 of the RAD51C protein (p.Arg193Gln). This variant is present in population databases (rs587782332, gnomAD 0.005%). This variant has not been reported in the literature in individuals affected with RAD51C-related conditions. ClinVar contains an entry for this variant (Variation ID: 142245). An algorithm developed to predict the effect of missense changes on protein structure and function outputs the following: PolyPhen-2: "Benign". The glutamine amino acid residue is found in multiple mammalian species, which suggests that this missense change does not adversely affect protein function. In summary, the available evidence is currently insufficient to determine the role of this variant in disease. Therefore, it has been classified as a Variant of Uncertain Significance.

GeneDx
Classification: Uncertain significance. Last evaluated: 2024-11-14. Review status: criteria provided, single submitter. Criteria: GeneDx Variant Classification Process June 2021. Collection method: clinical testing. Allele origin: germline.
Comment: Not observed at significant frequency in large population cohorts (gnomAD); In silico analysis indicates that this missense variant does not alter protein structure/function; Has not been previously published as pathogenic or benign to our knowledge; This variant is associated with the following publications: (PMID: 14704354)

Color Diagnostics, LLC DBA Color Health
Classification: Likely benign for Hereditary cancer-predisposing syndrome. Last evaluated: 2024-09-19. Review status: criteria provided, single submitter. Criteria: ACMG Guidelines, 2015. Collection method: clinical testing. Allele origin: germline.

Institute for Clinical Genetics, University Hospital TU Dresden, University Hospital TU Dresden
Classification: Uncertain significance. Last evaluated: 2021-11-03. Review status: criteria provided, single submitter. Criteria: ACMG Guidelines, 2015. Collection method: clinical testing. Allele origin: germline.

Ambry Genetics
Classification: Likely benign for Hereditary cancer-predisposing syndrome. Last evaluated: 2018-05-09. Review status: criteria provided, single submitter. Criteria: Ambry Variant Classification Scheme 2023. Collection method: clinical testing. Allele origin: germline.

Literature cited by the submitters: PubMed 33471991 (cited by Quest Diagnostics Nichols Institute San Juan Capistrano).

NM_058216.3(RAD51C):c.578G>A (p.Arg193Gln)

Gene: RAD51C (RAD51 paralog C; plus strand). Cytogenetic location: 17q22.
Variant type: single nucleotide variant.
Coding change: c.578G>A on transcript NM_058216.3 (MANE Select); coding-DNA position 578, G replaced by A.
Protein change: p.Arg193Gln; replaces arginine 193 with glutamine.
Molecular consequence: missense variant. On other transcripts: non-coding transcript variant (1).
Genome position (GRCh38, 1-based): chr17:58,703,202, G>A. VCF-style: chr17-58703202-G-A. GRCh37 (hg19) VCF-style: chr17-56780563-G-A.
Other names: short protein forms R193Q.
Identifiers: ClinVar variation 142245 (VCV000142245.23), dbSNP rs587782332, ClinGen allele CA167874.
Genomic context (GRCh38, chr17:58,703,202, plus strand): 5'-ATTGCCAATACATCCAAACAGGTAAAACTAATTAAGAGTGTTTTGTTGTTTCAGAACACC[G>A]AAAAGCTTTGGAGGATTTCACTCTTGATAATATTCTTTCTCATATTTATTATTTTCGCTG-3'
Protein context (NP_478123.1, residues 183-203): IAEKHKGEEH[Arg193Gln]KALEDFTLDN